The following is an entry in ClinVar:

NM_002693.3(POLG):c.646del (p.Ser216fs)

Genes: POLG (DNA polymerase gamma, catalytic subunit; minus strand), POLGARF (POLG alternative reading frame; minus strand). Cytogenetic location: 15q26.1.
Variant type: Deletion.
Coding change: c.646del on transcript NM_002693.3 (MANE Select); coding-DNA position 646, one base deleted (T; older notation c.646delT).
Protein change: p.Ser216fs; shifts the reading frame from serine 216.
Molecular consequence: frameshift variant.
Genome position (GRCh38, 1-based): chr15:89,333,109, A deleted on the plus strand (T on the coding strand, the reverse complement: POLG is on the minus strand). VCF-style (leftmost placement, unchanged base first): chr15-89333108-GA-G. GRCh37 (hg19) VCF-style: chr15-89876339-GA-G.
Other names: c.646del, p.Ser216fs (NM_001126131.2); c.646delT (NM_002693.2); short protein forms S216fs.
Identifiers: ClinVar variation 567927 (VCV000567927.2), dbSNP rs1567193844, ClinGen allele CA891843854.

ClinVar aggregate classification (germline): Pathogenic (1 of 4 stars; one submission).

Conditions:
Progressive sclerosing poliodystrophy (MTDPS4A). Also called: Mitochondrial DNA depletion syndrome 4A (Alpers type); Mitochondrial DNA Depletion Syndrome 4A; Alpers Syndrome; ALPERS DIFFUSE DEGENERATION OF CEREBRAL GRAY MATTER WITH HEPATIC CIRRHOSIS; Alpers-Huttenlocher Syndrome; ALPERS PROGRESSIVE INFANTILE POLIODYSTROPHY. Identifiers: Orphanet 726, MedGen C0205710, MONDO:0008758, OMIM 203700.

Submission:

Labcorp Genetics (formerly Invitae), Labcorp
Classification: Pathogenic for Progressive sclerosing poliodystrophy. Last evaluated: 2017-10-07. Review status: criteria provided, single submitter. Criteria: Invitae Variant Classification Sherloc (09022015). Collection method: clinical testing. Allele origin: germline.
Comment: This sequence change creates a premature translational stop signal (p.Ser216Profs*50) in the POLG gene. It is expected to result in an absent or disrupted protein product. This variant is not present in population databases (ExAC no frequency). This variant has not been reported in the literature in individuals with POLG-related disease. Loss-of-function variants in POLG are known to be pathogenic (PMID: 18546365, 21696159, 27987238). For these reasons, this variant has been classified as Pathogenic.

Literature cited by the submitters: PubMed 18546365; PubMed 21696159; PubMed 27987238.